The following is an entry in ClinVar:

NM_006514.4(SCN10A):c.2918G>A (p.Gly973Glu)

Genes: SCN10A (sodium voltage-gated channel alpha subunit 10; minus strand), LOC110121288 (VISTA enhancer hs2268; plus strand). Cytogenetic location: 3p22.2.
Variant type: single nucleotide variant.
Coding change: c.2918G>A on transcript NM_006514.4 (MANE Select); coding-DNA position 2918, G replaced by A.
Protein change: p.Gly973Glu; replaces glycine 973 with glutamic acid.
Molecular consequence: missense variant.
Genome position (GRCh38, 1-based): chr3:38,726,775, C>T on the plus strand (G>A on the coding strand, the complement: SCN10A is on the minus strand). VCF-style: chr3-38726775-C-T. GRCh37 (hg19) VCF-style: chr3-38768266-C-T.
Other names: c.2918G>A, p.Gly973Glu (NM_001293306.2); c.2624G>A, p.Gly875Glu (NM_001293307.2); short protein forms G875E, G973E.
Identifiers: ClinVar variation 1797651 (VCV001797651.2), dbSNP rs2470671397, ClinGen allele CA352157788.
Genomic context (GRCh38, chr3:38,726,775, plus strand): 5'-ACAGTCGGATTAGCGATGAAGTCACTGTGCTCATCCCTGGGGCCTCTGGGAGCTTGGAGC[C>T]CTCCAGAGCTCCCCCTGGCAGTGTTGGCAGCAATGTGGTTCTCAGCCTTGGAGCTGGAGA-3'
Protein context (NP_006505.4, residues 963-983): AANTARGSSG[Gly973Glu]LQAPRGPRDE

ClinVar aggregate classification (germline): Uncertain significance (1 of 4 stars; one submission).

Conditions:
Cardiovascular phenotype. Identifiers: MedGen CN230736.

Allele frequency attached by ClinVar (database versions not stated): gnomAD exomes below 0.00001.
gnomAD v4.1: 6 of 1,610,754 alleles (0.00037%); highest among the groups gnomAD compares: Non-Finnish European, 0.00051%; no homozygotes.

Submission:

Ambry Genetics
Classification: Uncertain significance for Cardiovascular phenotype. Last evaluated: 2022-07-06. Review status: criteria provided, single submitter. Criteria: Ambry Variant Classification Scheme 2023. Collection method: clinical testing. Allele origin: germline.
Comment: The p.G973E variant (also known as c.2918G>A), located in coding exon 16 of the SCN10A gene, results from a G to A substitution at nucleotide position 2918. The glycine at codon 973 is replaced by glutamic acid, an amino acid with similar properties. This amino acid position is conserved. In addition, this alteration is predicted to be tolerated by in silico analysis. Since supporting evidence is limited at this time, the clinical significance of this alteration remains unclear.